The following is an entry in ClinVar:

ClinVar aggregate classification (germline): Pathogenic (1 of 4 stars; one submission).

Submission:

Labcorp Genetics (formerly Invitae), Labcorp
Classification: Pathogenic. Last evaluated: 2025-07-15. Review status: criteria provided, single submitter. Criteria: Invitae Variant Classification Sherloc (09022015). Collection method: clinical testing. Allele origin: germline.
Comment: This sequence change creates a premature translational stop signal (p.Leu6Thrfs*5) in the PHF21A gene. It is expected to result in an absent or disrupted protein product. Loss-of-function variants in PHF21A are known to be pathogenic (PMID: 30487643). This variant is not present in population databases (gnomAD no frequency). This variant has not been reported in the literature in individuals affected with PHF21A-related conditions. For these reasons, this variant has been classified as Pathogenic.

Literature cited by the submitters: PubMed 30487643.

NM_001352027.3(PHF21A):c.16_17del (p.Leu6fs)

Gene: PHF21A (PHD finger protein 21A; minus strand). Cytogenetic location: 11p11.2.
Variant type: Microsatellite.
Coding change: c.16_17del on transcript NM_001352027.3 (MANE Select); coding-DNA positions 16 to 17, 2 bases deleted (CT; older notation c.16_17delCT).
Protein change: p.Leu6fs; shifts the reading frame from leucine 6.
Molecular consequence: frameshift variant. On other transcripts: non-coding transcript variant (2).
Genome position (GRCh38, 1-based): chr11:46,084,203-46,084,204, AG deleted on the plus strand (CT on the coding strand, the reverse complement: PHF21A is on the minus strand); deleting any 2 consecutive bases within chr11:46,084,203-46,084,206 gives the same sequence; the c. name uses the placement nearest the transcript's 3' end. VCF-style (leftmost placement, unchanged base first): chr11-46084202-TAG-T. GRCh37 (hg19) VCF-style: chr11-46105753-TAG-T.
Other names: c.16_17del, p.Leu6fs (NM_001101802.3, NM_001352025.3, NM_001352026.3 and 12 more transcripts); short protein forms L6fs.
Identifiers: ClinVar variation 4723270 (VCV004723270.1).